The following is an entry in ClinVar:

ClinVar aggregate classification (germline): Uncertain significance (1 of 4 stars; one submission).

Submission:

CeGaT Center for Human Genetics Tuebingen
Classification: Uncertain significance. Last evaluated: 2024-11-01. Review status: criteria provided, single submitter. Criteria: CeGaT Center For Human Genetics Tuebingen Variant Classification Criteria Version 2. Collection method: clinical testing. Allele origin: germline. Affected: yes. Observed: 1 variant allele.
Comment: COL12A1: PM2

NM_004370.6(COL12A1):c.1447C>A (p.Gln483Lys)

Gene: COL12A1 (collagen type XII alpha 1 chain; minus strand). Cytogenetic location: 6q13.
Variant type: single nucleotide variant.
Coding change: c.1447C>A on transcript NM_004370.6 (MANE Select); coding-DNA position 1447, C replaced by A.
Protein change: p.Gln483Lys; replaces glutamine 483 with lysine.
Molecular consequence: missense variant. On other transcripts: intron variant (2).
Genome position (GRCh38, 1-based): chr6:75,183,494, G>T on the plus strand (C>A on the coding strand, the complement: COL12A1 is on the minus strand). VCF-style: chr6-75183494-G-T. GRCh37 (hg19) VCF-style: chr6-75893210-G-T.
Other names: c.1447C>A, p.Gln483Lys (NM_001424113.1, NM_001424114.1, NM_001424115.1); c.73+19226C>A (NM_001424116.1, NM_080645.3); short protein forms Q483K.
Identifiers: ClinVar variation 3390138 (VCV003390138.14).
Genomic context (GRCh38, chr6:75,183,494, plus strand): 5'-TATCTTCAACTTTGGTGAATTTTTTCAAAGTGAACTCAGTATGAGGATCCCGGCTGTATT[G>T]CACAAGACTAATCTGGACCCTATTTGGTGAAATTTCAAAACTTTTTACAAGAACTTCCAA-3'
Protein context (NP_004361.3, residues 473-493): SPNRVQISLV[Gln483Lys]YSRDPHTEFT